The following is an entry in ClinVar:

ClinVar aggregate classification (germline): Uncertain significance (0 of 4 stars; one submission).

Conditions:
CEP164-related disorder. Also called: CEP164-related condition.

Submission:

PreventionGenetics, part of Exact Sciences
Classification: Uncertain significance for CEP164-related condition. Last evaluated: 2024-08-06. Review status: no assertion criteria provided. Collection method: clinical testing. Allele origin: germline.
Comment: The CEP164 c.2116C>A variant is predicted to result in the amino acid substitution p.Gln706Lys. To our knowledge, this variant has not been reported in the literature or in a large population database, indicating this variant is rare. At this time, the clinical significance of this variant is uncertain due to the absence of conclusive functional and genetic evidence.

NM_014956.5(CEP164):c.2116C>A (p.Gln706Lys)

Gene: CEP164 (centrosomal protein 164; plus strand). Cytogenetic location: 11q23.3.
Variant type: single nucleotide variant.
Coding change: c.2116C>A on transcript NM_014956.5 (MANE Select); coding-DNA position 2116, C replaced by A.
Protein change: p.Gln706Lys; replaces glutamine 706 with lysine.
Molecular consequence: missense variant.
Genome position (GRCh38, 1-based): chr11:117,391,048, C>A. VCF-style: chr11-117391048-C-A. GRCh37 (hg19) VCF-style: chr11-117261764-C-A.
Other names: c.2125C>A, p.Gln709Lys (NM_001271933.2); short protein forms Q706K, Q709K.
Identifiers: ClinVar variation 3346421 (VCV003346421.1).